The following is an entry in ClinVar:

ClinVar aggregate classification (germline): Uncertain significance (1 of 4 stars; one submission).

Allele frequency attached by ClinVar (database versions not stated): gnomAD exomes 0.00002.

Submission:

Labcorp Genetics (formerly Invitae), Labcorp
Classification: Uncertain significance. Last evaluated: 2021-12-24. Review status: criteria provided, single submitter. Criteria: Invitae Variant Classification Sherloc (09022015). Collection method: clinical testing. Allele origin: germline.
Comment: This sequence change replaces alanine, which is neutral and non-polar, with threonine, which is neutral and polar, at codon 98 of the COQ8A protein (p.Ala98Thr). This variant is present in population databases (rs200000374, gnomAD 0.009%). This variant has not been reported in the literature in individuals affected with COQ8A-related conditions. Advanced modeling of protein sequence and biophysical properties (such as structural, functional, and spatial information, amino acid conservation, physicochemical variation, residue mobility, and thermodynamic stability) performed at Invitae indicates that this missense variant is not expected to disrupt COQ8A protein function. In summary, the available evidence is currently insufficient to determine the role of this variant in disease. Therefore, it has been classified as a Variant of Uncertain Significance.

NM_020247.5(COQ8A):c.292G>A (p.Ala98Thr)

Gene: COQ8A (coenzyme Q8A; plus strand). Cytogenetic location: 1q42.13.
Variant type: single nucleotide variant.
Coding change: c.292G>A on transcript NM_020247.5 (MANE Select); coding-DNA position 292, G replaced by A.
Protein change: p.Ala98Thr; replaces alanine 98 with threonine.
Molecular consequence: missense variant.
Genome position (GRCh38, 1-based): chr1:226,965,114, G>A. VCF-style: chr1-226965114-G-A. GRCh37 (hg19) VCF-style: chr1-227152815-G-A.
Other names: short protein forms A98T.
Identifiers: ClinVar variation 2200957 (VCV002200957.1), dbSNP rs200000374, ClinGen allele CA1424979.